The following is an entry in ClinVar:

ClinVar aggregate classification (germline): Uncertain significance (1 of 4 stars; one submission).

Submission:

GeneDx
Classification: Uncertain significance. Last evaluated: 2025-06-02. Review status: criteria provided, single submitter. Criteria: GeneDx Variant Classification Process June 2021. Collection method: clinical testing. Allele origin: germline. Affected: yes.
Comment: Not observed at significant frequency in large population cohorts (gnomAD); In silico analysis supports that this missense variant has a deleterious effect on protein structure/function; Has not been previously published as pathogenic or benign to our knowledge

NM_001368397.1(FRMPD4):c.2999A>T (p.Glu1000Val)

Gene: FRMPD4 (FERM and PDZ domain containing 4; plus strand). Cytogenetic location: Xp22.2.
Variant type: single nucleotide variant.
Coding change: c.2999A>T on transcript NM_001368397.1 (MANE Select); coding-DNA position 2999, A replaced by T.
Protein change: p.Glu1000Val; replaces glutamic acid 1000 with valine.
Molecular consequence: missense variant.
Genome position (GRCh38, 1-based): chrX:12,717,825, A>T. VCF-style: chrX-12717825-A-T. GRCh37 (hg19) VCF-style: chrX-12735944-A-T.
Other names: c.3110A>T, p.Glu1037Val (NM_001368398.3, NM_001368395.3); c.2990A>T, p.Glu997Val (NM_001368399.3); c.2879A>T, p.Glu960Val (NM_001368400.3); c.2975A>T, p.Glu992Val (NM_001368401.1, NM_001368402.3); c.2999A>T, p.Glu1000Val (NM_014728.3); c.3005A>T, p.Glu1002Val (NM_001368396.3); short protein forms E1000V, E1002V, E1037V, E960V, E992V, E997V.
Identifiers: ClinVar variation 4536486 (VCV004536486.1).
Genomic context (GRCh38, chrX:12,717,825, plus strand): 5'-CGCCCAAAGTTGTGCCTTCCAAGCAGTTACTTCACTCAGACCACATGGAGATGGAGCCTG[A>T]AACTATGGAGACTAAGTCGGTCACTGACTATTTTAGCAAACTGCACATGGGGTCGGTGGC-3'
Protein context (NP_001355326.1, residues 990-1010): LHSDHMEMEP[Glu1000Val]TMETKSVTDY